The following is an entry in ClinVar:

NM_001033044.4(GLUL):c.590T>G (p.Val197Gly)

Genes: GLUL (glutamate-ammonia ligase; minus strand), LOC126805944 (CDK7 strongly-dependent group 2 enhancer GRCh37_chr1:182354799-182355998; plus strand). Cytogenetic location: 1q25.3.
Variant type: single nucleotide variant.
Coding change: c.590T>G on transcript NM_001033044.4 (MANE Select); coding-DNA position 590, T replaced by G.
Protein change: p.Val197Gly; replaces valine 197 with glycine.
Molecular consequence: missense variant.
Genome position (GRCh38, 1-based): chr1:182,385,773, A>C on the plus strand (T>G on the coding strand, the complement: GLUL is on the minus strand). VCF-style: chr1-182385773-A-C. GRCh37 (hg19) VCF-style: chr1-182354908-A-C.
Other names: c.590T>G, p.Val197Gly (NM_001033056.4, NM_002065.7); short protein forms V197G.
Identifiers: ClinVar variation 2115011 (VCV002115011.4), dbSNP rs2525580629, ClinGen allele CA343640326.

ClinVar aggregate classification (germline): Uncertain significance (1 of 4 stars; one submission).

Conditions:
Congenital brain dysgenesis due to glutamine synthetase deficiency (GLND). Also called: GLUTAMINE SYNTHASE DEFICIENCY, CONGENITAL SYSTEMIC. Identifiers: Orphanet 71278, MedGen C1864910, MONDO:0012393, OMIM 610015.

Submission:

Labcorp Genetics (formerly Invitae), Labcorp
Classification: Uncertain significance for Congenital brain dysgenesis due to glutamine synthetase deficiency. Last evaluated: 2022-03-20. Review status: criteria provided, single submitter. Criteria: Invitae Variant Classification Sherloc (09022015). Collection method: clinical testing. Allele origin: germline.
Comment: In summary, the available evidence is currently insufficient to determine the role of this variant in disease. Therefore, it has been classified as a Variant of Uncertain Significance. Algorithms developed to predict the effect of missense changes on protein structure and function are either unavailable or do not agree on the potential impact of this missense change (SIFT: "Deleterious"; PolyPhen-2: "Possibly Damaging"; Align-GVGD: "Class C15"). This variant has not been reported in the literature in individuals affected with GLUL-related conditions. This variant is not present in population databases (gnomAD no frequency). This sequence change replaces valine, which is neutral and non-polar, with glycine, which is neutral and non-polar, at codon 197 of the GLUL protein (p.Val197Gly).